The following is an entry in ClinVar:

ClinVar aggregate classification (germline): Uncertain significance (1 of 4 stars; one submission).

Allele frequency attached by ClinVar (database versions not stated): TOPMed below 0.00001; ExAC 0.00001; gnomAD exomes 0.00002.
gnomAD v4.1: 28 of 1,614,012 alleles (0.0017%); highest among the groups gnomAD compares: Admixed American, 0.01%; no homozygotes.

Submission:

GeneDx
Classification: Uncertain significance. Last evaluated: 2023-12-29. Review status: criteria provided, single submitter. Criteria: GeneDx Variant Classification Process June 2021. Collection method: clinical testing. Allele origin: germline. Affected: yes.
Comment: In silico analysis supports that this missense variant has a deleterious effect on protein structure/function; Has not been previously published as pathogenic or benign to our knowledge

NM_000110.4(DPYD):c.2347C>T (p.Arg783Cys)

Genes: DPYD (dihydropyrimidine dehydrogenase; minus strand), DPYD-AS1 (DPYD antisense RNA 1; plus strand). Cytogenetic location: 1p21.3.
Variant type: single nucleotide variant.
Coding change: c.2347C>T on transcript NM_000110.4 (MANE Select); coding-DNA position 2347, C replaced by T.
Protein change: p.Arg783Cys; replaces arginine 783 with cysteine.
Molecular consequence: missense variant.
Genome position (GRCh38, 1-based): chr1:97,234,947, G>A on the plus strand (C>T on the coding strand, the complement: DPYD is on the minus strand). VCF-style: chr1-97234947-G-A. GRCh37 (hg19) VCF-style: chr1-97700503-G-A.
Other names: short protein forms R783C.
Identifiers: ClinVar variation 3252435 (VCV003252435.1), dbSNP rs770958862.